The following is an entry in ClinVar:

NM_000218.3(KCNQ1):c.1500C>T (p.Ile500=)

Genes: KCNQ1 (potassium voltage-gated channel subfamily Q member 1; plus strand), KCNQ1OT1 (KCNQ1 opposite strand/antisense transcript 1; minus strand). Cytogenetic location: 11p15.5.
Variant type: single nucleotide variant.
Coding change: c.1500C>T on transcript NM_000218.3 (MANE Select); coding-DNA position 1500, C replaced by T.
Protein change: p.Ile500=; no amino-acid change (isoleucine 500 retained).
Molecular consequence: synonymous variant. On other transcripts: non-coding transcript variant (1).
Genome position (GRCh38, 1-based): chr11:2,662,067, C>T. VCF-style: chr11-2662067-C-T. GRCh37 (hg19) VCF-style: chr11-2683297-C-T.
Other names: c.1404C>T, p.Ile468= (NM_001406836.1); c.1230C>T, p.Ile410= (NM_001406837.1); c.960C>T, p.Ile320= (NM_001406838.1); c.1119C>T, p.Ile373= (NM_181798.2).
Identifiers: ClinVar variation 3072406 (VCV003072406.1), dbSNP rs2493870499, ClinGen allele CA472236329.

ClinVar aggregate classification (germline): Likely benign (1 of 4 stars; one submission).

Conditions:
Long QT syndrome (LQTS). Identifiers: MedGen C0023976, MeSH D008133, MONDO:0002442. Disease mechanism: loss of function. Inheritance: Various modes of inheritance.

Submission:

All of Us Research Program, National Institutes of Health
Classification: Likely benign for Long QT syndrome. Last evaluated: 2023-07-10. Review status: criteria provided, single submitter. Criteria: ACMG Guidelines, 2015. Collection method: clinical testing. Allele origin: germline. Inheritance: Autosomal dominant inheritance. Observed: 1 variant allele, 1 heterozygote.
Comment: This study involves interpretation of variants in research participants for the purpose of population health screening. Participant phenotype was not available at the time of variant classification. Additional details can be found in publication PMID: 35346344, PMCID: PMC8962531